The following is an entry in ClinVar:

NM_002055.5(GFAP):c.650G>A (p.Arg217Gln)

Gene: GFAP (glial fibrillary acidic protein; minus strand). Cytogenetic location: 17q21.31.
Variant type: single nucleotide variant.
Coding change: c.650G>A on transcript NM_002055.5 (MANE Select); coding-DNA position 650, G replaced by A.
Protein change: p.Arg217Gln; replaces arginine 217 with glutamine.
Molecular consequence: missense variant.
Genome position (GRCh38, 1-based): chr17:44,913,399, C>T on the plus strand (G>A on the coding strand, the complement: GFAP is on the minus strand). VCF-style: chr17-44913399-C-T. GRCh37 (hg19) VCF-style: chr17-42990767-C-T.
Other names: NM_002055.5(GFAP):c.650G>A; p.Arg217Gln; c.650G>A, p.Arg217Gln (NM_001131019.3, NM_001242376.3, NM_001363846.2); short protein forms R217Q.
Identifiers: ClinVar variation 3519802 (VCV003519802.3).

ClinVar aggregate classification (germline): Likely benign. Review status: reviewed by expert panel (3 of 4 stars). 3 submissions from 3 submitters: Likely benign (1). 2 of the submissions do not count toward it. Last evaluated 2026-10-23.

Conditions:
Inborn genetic diseases. Identifiers: MedGen C0950123, MeSH D030342.
Alexander disease (ALXDRD). Also called: Alexander's disease. Identifiers: Orphanet 58, MedGen C0270726, MONDO:0008752, OMIM 203450.

gnomAD v4.1: 44 of 1,614,164 alleles (0.0027%); highest among the groups gnomAD compares: East Asian, 0.0045%; no homozygotes.

Submissions (3):

ClinGen Leukodystrophy and Leukoencephalopathy Variant Curation Expert Panel, ClinGen
Classification: Likely benign for Alexander disease. Last evaluated: 2026-10-23. Review status: reviewed by expert panel. Criteria: ClinGen Leuko ACMG Specifications GFAP V1.0. Collection method: curation. Allele origin: germline. Inheritance: Autosomal dominant inheritance.
Comment: The c.650G>A variant in GFAP is a missense variant predicted to cause substitution of arginine by glutamine at amino acid 217 (p.Arg217Gln). The GrpMax filtering allele frequency in gnomAD v4.1.0 is 0.00002233 from the European (non-Finnish) genetic ancestry group (the lower threshold of the 95% CI of 44/1614164 alleles), which is higher than the ClinGen Leukodystrophy and Leukoencephalopathy VCEP threshold (>0.00001) for BS1, and therefore meets this criterion (BS1). In summary, this variant meets the criteria to be classified as a likely benign variant for Alexander disease based on the ACMG/AMP criteria applied, as specified by the ClinGen Leukodystrophy and Leukoencephalopathy Expert Panel Specifications to the ACMG/AMP Variant Interpretation Guidelines for GFAP Version 1.0.0): (BS1).

Ambry Genetics
Classification: Likely benign for Inborn genetic diseases. Last evaluated: 2024-10-06. Review status: criteria provided, single submitter. Criteria: Ambry Variant Classification Scheme 2023. Collection method: clinical testing. Allele origin: germline. Not counted in ClinVar's aggregate classification.

Department of Pathology and Laboratory Medicine, Sinai Health System
Classification: Uncertain significance for Alexander disease. Last evaluated: 2021-07-30. Review status: criteria provided, single submitter. Criteria: ACMG Guidelines, 2015. Collection method: research. Allele origin: germline. Not counted in ClinVar's aggregate classification.